The following is an entry in ClinVar:

ClinVar aggregate classification (germline): Pathogenic/Likely pathogenic. Review status: criteria provided, multiple submitters, no conflicts (2 of 4 stars). 2 submissions from 2 submitters: Pathogenic (1); Likely pathogenic (1). Last evaluated 2025-08-18.

Conditions:
ITPR1-related disorders.

Submissions (2):

GeneDx
Classification: Pathogenic. Last evaluated: 2025-08-18. Review status: criteria provided, single submitter. Criteria: GeneDx Variant Classification Process June 2021. Collection method: clinical testing. Allele origin: germline. Affected: yes.
Comment: Canonical splice site variant predicted to result in a null allele in a gene for which loss of function is a known mechanism of disease; Not observed at significant frequency in large population cohorts (gnomAD); This variant is associated with the following publications: (PMID: 33057194)

Blueprint Genetics
Classification: Likely pathogenic for ITPR1-related disorders. Last evaluated: 2024-06-04. Review status: criteria provided, single submitter. Criteria: ACMG Guidelines, 2015. Collection method: clinical testing. Allele origin: germline. Affected: yes. Observed: 1 variant allele.

NM_001378452.1(ITPR1):c.1252-1G>C

Gene: ITPR1 (inositol 1,4,5-trisphosphate receptor type 1; plus strand). Cytogenetic location: 3p26.1.
Variant type: single nucleotide variant.
Coding change: c.1252-1G>C on transcript NM_001378452.1 (MANE Select); the canonical splice acceptor site of the intron before coding-DNA position 1252, G replaced by C.
Molecular consequence: splice acceptor variant.
Genome position (GRCh38, 1-based): chr3:4,662,081, G>C. VCF-style: chr3-4662081-G-C. GRCh37 (hg19) VCF-style: chr3-4703765-G-C.
Other names: c.1252-1G>C (NM_001099952.4); c.1207-1G>C (NM_001168272.2, NM_002222.7).
Identifiers: ClinVar variation 423275 (VCV000423275.4), dbSNP rs1064796337, ClinGen allele CA16617971.